The following is an entry in ClinVar:

ClinVar aggregate classification (germline): Likely benign. Review status: criteria provided, multiple submitters, no conflicts (2 of 4 stars). 4 submissions from 4 submitters: Likely benign (3). 1 of the submissions does not count toward it. Last evaluated 2026-06-01.

Conditions:
INO80-related disorder. Also called: INO80-related condition.

Allele frequency attached by ClinVar (database versions not stated): 1000 Genomes Project 0.00200; 1000 Genomes Project 30x 0.00219; ESP Exome Variant Server 0.00592; gnomAD 0.00602; TOPMed 0.00659; ExAC 0.00686; gnomAD exomes 0.00809.
gnomAD v4.1: 12,787 of 1,613,644 alleles (0.79%); highest among the groups gnomAD compares: Middle Eastern, 1.1%; 67 homozygotes.

Submissions (4):

CeGaT Center for Human Genetics Tuebingen
Classification: Likely benign. Last evaluated: 2026-06-01. Review status: criteria provided, single submitter. Criteria: CeGaT Center For Human Genetics Tuebingen Variant Classification Criteria Version 2. Collection method: clinical testing. Allele origin: germline. Affected: yes. Observed: 5 variant alleles.
Comment: INO80: BS2

ARUP Laboratories, Molecular Genetics and Genomics, ARUP Laboratories
Classification: Likely benign. Last evaluated: 2023-10-06. Review status: criteria provided, single submitter. Criteria: ARUP Molecular Germline Variant Investigation Process 2024. Collection method: clinical testing. Allele origin: germline.

GeneDx
Classification: Likely benign. Last evaluated: 2023-02-27. Review status: criteria provided, single submitter. Criteria: GeneDx Variant Classification Process June 2021. Collection method: clinical testing. Allele origin: germline. Affected: yes.
Comment: See Variant Classification Assertion Criteria.

PreventionGenetics, part of Exact Sciences
Classification: Benign for INO80-related condition. Last evaluated: 2019-07-26. Review status: no assertion criteria provided. Collection method: clinical testing. Allele origin: germline. Not counted in ClinVar's aggregate classification.
Comment: This variant is classified as benign based on ACMG/AMP sequence variant interpretation guidelines (Richards et al. 2015 PMID: 25741868, with internal and published modifications).

NM_017553.3(INO80):c.3323T>G (p.Val1108Gly)

Gene: INO80 (INO80 complex ATPase subunit; minus strand). Cytogenetic location: 15q15.1.
Variant type: single nucleotide variant.
Coding change: c.3323T>G on transcript NM_017553.3 (MANE Select); coding-DNA position 3323, T replaced by G.
Protein change: p.Val1108Gly; replaces valine 1108 with glycine.
Molecular consequence: missense variant.
Genome position (GRCh38, 1-based): chr15:41,016,167, A>C on the plus strand (T>G on the coding strand, the complement: INO80 is on the minus strand). VCF-style: chr15-41016167-A-C. GRCh37 (hg19) VCF-style: chr15-41308365-A-C.
Other names: c.3323T>G (NM_017553.2); short protein forms V1108G.
Identifiers: ClinVar variation 2428538 (VCV002428538.21), dbSNP rs34178030, ClinGen allele CA7488762.